The following is an entry in ClinVar:

NM_001761.3(CCNF):c.2167C>T (p.Gln723Ter)

Genes: CCNF (cyclin F; plus strand), LOC105371050 (uncharacterized LOC105371050; minus strand). Cytogenetic location: 16p13.3.
Variant type: single nucleotide variant.
Coding change: c.2167C>T on transcript NM_001761.3 (MANE Select); coding-DNA position 2167, C replaced by T.
Protein change: p.Gln723Ter; replaces glutamine 723 with a stop codon.
Molecular consequence: nonsense.
Genome position (GRCh38, 1-based): chr16:2,456,826, C>T. VCF-style: chr16-2456826-C-T. GRCh37 (hg19) VCF-style: chr16-2506827-C-T.
Other names: c.1243C>T, p.Gln415Ter (NM_001323538.2); short protein forms Q415*, Q723*.
Identifiers: ClinVar variation 3359870 (VCV003359870.1).

ClinVar aggregate classification (germline): Uncertain significance (1 of 4 stars; one submission).

Submission:

GeneDx
Classification: Uncertain significance. Last evaluated: 2023-06-19. Review status: criteria provided, single submitter. Criteria: GeneDx Variant Classification Process June 2021. Collection method: clinical testing. Allele origin: germline. Affected: yes.
Comment: Not observed at significant frequency in large population cohorts (gnomAD); Has not been previously published as pathogenic or benign to our knowledge; Nonsense variant predicted to result in protein truncation as the last 64 amino acids are lost in a gene for which loss of function is not a known mechanism of disease